The following is an entry in ClinVar:

ClinVar aggregate classification (germline): Uncertain significance (1 of 4 stars; one submission).

Conditions:
Hereditary cancer-predisposing syndrome. Also called: Neoplastic Syndromes, Hereditary; Tumor predisposition; Hereditary neoplastic syndrome; Hereditary Cancer Syndrome. Identifiers: Orphanet 140162, MedGen C0027672, MeSH D009386, MONDO:0015356.

gnomAD v4.1: 7 of 1,613,824 alleles (0.00043%); highest among the groups gnomAD compares: South Asian, 0.0011%; no homozygotes.

Submission:

Ambry Genetics
Classification: Uncertain significance for Hereditary cancer-predisposing syndrome. Last evaluated: 2026-08-20. Review status: criteria provided, single submitter. Criteria: Ambry Variant Classification Scheme 2023. Collection method: clinical testing. Allele origin: germline.
Comment: The p.S447T variant (also known as c.1340G>C), located in coding exon 8 of the MSH3 gene, results from a G to C substitution at nucleotide position 1340. The serine at codon 447 is replaced by threonine , an amino acid with similar properties. However, this change occurs in the last base pair of coding exon 8 and may have some effect on normal mRNA splicing. This nucleotide position is highly conserved in available vertebrate species. In silico splice site analysis predicts that this alteration will not have any significant effect on splicing. This amino acid position is well conserved in available vertebrate species. In addition, as a missense substitution this is predicted to be tolerated by in silico analysis. Based on the available evidence, the clinical significance of this variant remains unclear.

NM_002439.5(MSH3):c.1340G>C (p.Ser447Thr)

Gene: MSH3 (mutS homolog 3; plus strand). Cytogenetic location: 5q14.1.
Variant type: single nucleotide variant.
Coding change: c.1340G>C on transcript NM_002439.5 (MANE Select); coding-DNA position 1340, G replaced by C.
Protein change: p.Ser447Thr; replaces serine 447 with threonine.
Molecular consequence: missense variant.
Genome position (GRCh38, 1-based): chr5:80,679,093, G>C. VCF-style: chr5-80679093-G-C. GRCh37 (hg19) VCF-style: chr5-79974912-G-C.
Other names: short protein forms S447T.
Identifiers: ClinVar variation 5024743 (VCV005024743.1).